The following is an entry in ClinVar:

ClinVar aggregate classification (germline): Uncertain significance (1 of 4 stars; one submission).

Conditions:
Jeune thoracic dystrophy. Also called: Jeune syndrome; Infantile thoracic dystrophy; Thoracic pelvic phalangeal dystrophy; Jeune's syndrome; Chondroectodermal dysplasia-like syndrome; Short-rib thoracic dysplasia. Identifiers: Orphanet 474, MedGen C0265275, MONDO:0018770.

Submission:

Labcorp Genetics (formerly Invitae), Labcorp
Classification: Uncertain significance for Jeune thoracic dystrophy. Last evaluated: 2022-08-23. Review status: criteria provided, single submitter. Criteria: Invitae Variant Classification Sherloc (09022015). Collection method: clinical testing. Allele origin: germline.
Comment: ClinVar contains an entry for this variant (Variation ID: 1374281). Algorithms developed to predict the effect of missense changes on protein structure and function (SIFT, PolyPhen-2, Align-GVGD) all suggest that this variant is likely to be disruptive. In summary, the available evidence is currently insufficient to determine the role of this variant in disease. Therefore, it has been classified as a Variant of Uncertain Significance. This variant has not been reported in the literature in individuals affected with DYNC2H1-related conditions. This sequence change replaces methionine, which is neutral and non-polar, with lysine, which is basic and polar, at codon 2112 of the DYNC2H1 protein (p.Met2112Lys). This variant is not present in population databases (gnomAD no frequency).

NM_001377.3(DYNC2H1):c.6335T>A (p.Met2112Lys)

Gene: DYNC2H1 (dynein cytoplasmic 2 heavy chain 1; plus strand). Cytogenetic location: 11q22.3.
Variant type: single nucleotide variant.
Coding change: c.6335T>A on transcript NM_001377.3 (MANE Select); coding-DNA position 6335, T replaced by A.
Protein change: p.Met2112Lys; replaces methionine 2112 with lysine.
Molecular consequence: missense variant.
Genome position (GRCh38, 1-based): chr11:103,179,221, T>A. VCF-style: chr11-103179221-T-A. GRCh37 (hg19) VCF-style: chr11-103049950-T-A.
Other names: c.6335T>A, p.Met2112Lys (NM_001080463.2); short protein forms M2112K.
Identifiers: ClinVar variation 1374281 (VCV001374281.6), dbSNP rs2135001459, ClinGen allele CA382247554.